The following is an entry in ClinVar:

NM_201253.3(CRB1):c.1171+1G>A

Gene: CRB1 (crumbs cell polarity complex component 1; plus strand). Cytogenetic location: 1q31.3.
Variant type: single nucleotide variant.
Coding change: c.1171+1G>A on transcript NM_201253.3 (MANE Select); the canonical splice donor site of the intron after coding-DNA position 1171, G replaced by A.
Molecular consequence: splice donor variant.
Genome position (GRCh38, 1-based): chr1:197,357,014, G>A. VCF-style: chr1-197357014-G-A. GRCh37 (hg19) VCF-style: chr1-197326144-G-A.
Other names: c.964+1G>A (NM_001257965.2); c.1171+1G>A (NM_001257966.2); c.835+1G>A (NM_001193640.2).
Identifiers: ClinVar variation 1991480 (VCV001991480.4), dbSNP rs2527717111, ClinGen allele CA344084686.
Genomic context (GRCh38, chr1:197,357,014, plus strand): 5'-CTTCTTTCAGCTACCATGAAGCCTCAGGTTATGTCTGTATCTGTCAGCCTGGATTCACAG[G>A]TGAGGCCAAGGAGATGGGATATGACTTGACTTTCTGGTATTTTATGGCAGACCATGGCTT-3'

ClinVar aggregate classification (germline): Likely pathogenic (1 of 4 stars; one submission).

Conditions:
Retinitis pigmentosa 12 (RP12). Also called: RP WITH OR WITHOUT PRESERVED PARAARTERIOLE RETINAL PIGMENT EPITHELIUM; RETINITIS PIGMENTOSA WITH OR WITHOUT PARAARTERIOLAR PRESERVATION OF RETINAL PIGMENT EPITHELIUM; RP WITH OR WITHOUT PPRPE. Identifiers: Orphanet 791, MedGen C1838647, MONDO:0010818, OMIM 600105.
Leber congenital amaurosis 8 (LCA8). Identifiers: Orphanet 65, MedGen C3151202, MONDO:0013453, OMIM 613835.

Submission:

Labcorp Genetics (formerly Invitae), Labcorp
Classification: Likely pathogenic for Leber congenital amaurosis 8; Retinitis pigmentosa 12. Last evaluated: 2024-10-25. Review status: criteria provided, single submitter. Criteria: Invitae Variant Classification Sherloc (09022015). Collection method: clinical testing. Allele origin: germline.
Comment: This sequence change affects a donor splice site in intron 5 of the CRB1 gene. It is expected to disrupt RNA splicing. Variants that disrupt the donor or acceptor splice site typically lead to a loss of protein function (PMID: 16199547), and loss-of-function variants in CRB1 are known to be pathogenic (PMID: 10508521, 22065545, 23379534, 25412400, 26957898, 28041643, 29391521). This variant is not present in population databases (gnomAD no frequency). Disruption of this splice site has been observed in individual(s) with inherited retinal dystrophy (PMID: 31054281, 31630094, 33342761, 36729443). This variant is also known as c.989+1G>A. ClinVar contains an entry for this variant (Variation ID: 1991480). Algorithms developed to predict the effect of sequence changes on RNA splicing suggest that this variant may disrupt the consensus splice site. In summary, the currently available evidence indicates that the variant is pathogenic, but additional data are needed to prove that conclusively. Therefore, this variant has been classified as Likely Pathogenic.

Literature cited by the submitters: PubMed 16199547; PubMed 10508521; PubMed 22065545; PubMed 23379534; PubMed 25412400; PubMed 26957898; PubMed 28041643; PubMed 29391521; PubMed 31054281; PubMed 31630094; PubMed 33342761; PubMed 36729443.